The following is an entry in ClinVar:

ClinVar aggregate classification (germline): Pathogenic (1 of 4 stars; one submission).

Submission:

Dasa
Classification: Pathogenic. Last evaluated: 2026-04-21. Review status: criteria provided, single submitter. Criteria: DASA Assertion Criteria. Collection method: clinical testing. Allele origin: germline.
Comment: NM_017780.4(CHD7):c.3522+1G>T introduces a premature termination codon predicted to result in loss of normal protein function. Loss-of-function is an established mechanism of disease for this gene. This variant results in the same amino acid change as a previously established pathogenic variant. This variant has been reported in individuals with related phenotype (PMID: 38631314). The variant is present at low frequency in population datasets. Based on the available data, this variant is classified as pathogenic.

Literature cited by the submitters: PubMed 38631314.

NM_017780.4(CHD7):c.3522+1G>T

Gene: CHD7 (chromodomain helicase DNA binding protein 7; plus strand). Cytogenetic location: 8q12.2.
Variant type: single nucleotide variant.
Coding change: c.3522+1G>T on transcript NM_017780.4 (MANE Select); the canonical splice donor site of the intron after coding-DNA position 3522, G replaced by T.
Molecular consequence: splice donor variant. On other transcripts: intron variant (1).
Genome position (GRCh38, 1-based): chr8:60,828,807, G>T. VCF-style: chr8-60828807-G-T. GRCh37 (hg19) VCF-style: chr8-61741366-G-T.
Other names: c.1717-33422G>T (NM_001316690.1).
Identifiers: ClinVar variation 4851963 (VCV004851963.1).
Genomic context (GRCh38, chr8:60,828,807, plus strand): 5'-CGCTTCCCTTCAGAAACCACATTTATGCAAGAATTTGGTGATCTAAAAACAGAAGAGCAG[G>T]TATTTATCAGCTCCACTTTGTATTTCAGTTATAAAATTGAAGATTAGCCCATGAAATGGC-3'